The following is an entry in ClinVar:

ClinVar aggregate classification (germline): Uncertain significance (1 of 4 stars; one submission).

Submission:

ARUP Laboratories, Molecular Genetics and Genomics, ARUP Laboratories
Classification: Uncertain significance. Last evaluated: 2023-11-03. Review status: criteria provided, single submitter. Criteria: ARUP Molecular Germline Variant Investigation Process 2024. Collection method: clinical testing. Allele origin: germline.
Comment: The HNF1A c.311_316dup; p.Glu105_Thr106insMetGlu variant, to our knowledge, is not reported in the medical literature or gene specific databases. This variant is also absent from general population databases (Exome Variant Server, Genome Aggregation Database), indicating it is not a common polymorphism. This variant inserts two amino acids on the margin of the functionally important DNA binding domain, leaving the rest of the protein in-frame. However, given the lack of clinical and functional data, the significance of this variant is uncertain at this time.

NM_000545.8(HNF1A):c.311_316dup (p.Glu105_Thr106insMetGlu)

Gene: HNF1A (HNF1 homeobox A; plus strand). Cytogenetic location: 12q24.31.
Variant type: Duplication.
Coding change: c.311_316dup on transcript NM_000545.8 (MANE Select); coding-DNA positions 311 to 316, 6 bases duplicated (TGGAGA; older notation c.311_316dupTGGAGA).
Protein change: p.Glu105_Thr106insMetGlu.
Molecular consequence: inframe insertion.
Genome position (GRCh38, 1-based): chr12:120,979,079-120,979,084, TGGAGA duplicated. VCF-style (leftmost placement, unchanged base first): chr12-120979078-G-GTGGAGA. GRCh37 (hg19) VCF-style: chr12-121416881-G-GTGGAGA.
Other names: c.311_316dup, p.Glu105_Thr106insMetGlu (NM_001306179.2, NM_001406915.1).
Identifiers: ClinVar variation 2921163 (VCV002921163.1), dbSNP rs2499974225, ClinGen allele CA2739277339.